The following is an entry in ClinVar:

NM_015488.5(PNKD):c.236+1179C>T

Gene: PNKD (PNKD metallo-beta-lactamase domain containing; plus strand). Cytogenetic location: 2q35.
Variant type: single nucleotide variant.
Coding change: c.236+1179C>T on transcript NM_015488.5 (MANE Select); 1179 bases into the intron after coding-DNA position 236, C replaced by T.
Molecular consequence: intron variant. On other transcripts: missense variant (1).
Genome position (GRCh38, 1-based): chr2:218,272,728, C>T. VCF-style: chr2-218272728-C-T. GRCh37 (hg19) VCF-style: chr2-219137451-C-T.
Other names: c.395C>T, p.Pro132Leu (NM_001077399.3); short protein forms P132L.
Identifiers: ClinVar variation 3046060 (VCV003046060.13), dbSNP rs190517400, ClinGen allele CA2103329.
Genomic context (GRCh38, chr2:218,272,728, plus strand): 5'-GGTTGTCCAACACGGGCGAGTATGAGAGCCAGAGGTTCAGGGCTTCCTCCCAGAGTGCCC[C>T]GTCCCCTGATGTTGGGTCTGGGGTGCAGACCTGAGGAGCGCTGCGACCCTCCTAGGCTAT-3'

ClinVar aggregate classification (germline): Likely benign. Review status: criteria provided, multiple submitters, no conflicts (2 of 4 stars). 3 submissions from 3 submitters: Likely benign (2). 1 of the submissions does not count toward it. Last evaluated 2025-12-01.

Conditions:
PNKD-related disorder. Also called: PNKD-related condition.

Allele frequency attached by ClinVar (database versions not stated): 1000 Genomes Project 30x 0.00031; 1000 Genomes Project 0.00040; ESP Exome Variant Server 0.00048; gnomAD 0.00058; TOPMed 0.00060; ExAC 0.00076; gnomAD exomes 0.00088.
gnomAD v4.1: 1,395 of 1,614,184 alleles (0.086%); highest among the groups gnomAD compares: Middle Eastern, 0.5%; no homozygotes.

Submissions (3):

CeGaT Center for Human Genetics Tuebingen
Classification: Likely benign. Last evaluated: 2025-12-01. Review status: criteria provided, single submitter. Criteria: CeGaT Center For Human Genetics Tuebingen Variant Classification Criteria Version 2. Collection method: clinical testing. Allele origin: germline. Affected: yes. Observed: 2 variant alleles.
Comment: PNKD: BP4, BS1

Blueprint Genetics
Classification: Likely benign. Last evaluated: 2024-11-25. Review status: criteria provided, single submitter. Criteria: ACMG Guidelines, 2015. Collection method: clinical testing. Allele origin: germline.

PreventionGenetics, part of Exact Sciences
Classification: Likely benign for PNKD-related condition. Last evaluated: 2019-02-21. Review status: no assertion criteria provided. Collection method: clinical testing. Allele origin: germline. Not counted in ClinVar's aggregate classification.
Comment: This variant is classified as likely benign based on ACMG/AMP sequence variant interpretation guidelines (Richards et al. 2015 PMID: 25741868, with internal and published modifications).